The following is an entry in ClinVar:

NC_000011.9:g.(?_63396791)_(63419478_?)dup

Gene: ATL3 (atlastin GTPase 3; minus strand). Cytogenetic location: 11q12.3-13.1.
Variant type: Duplication.
Identifiers: ClinVar variation 3244676 (VCV003244676.1).

ClinVar aggregate classification (germline): Uncertain significance (1 of 4 stars; one submission).

Conditions:
Neuropathy, hereditary sensory, type 1F. Also called: HSN IF; Hereditary sensory neuropathy type IF. Identifiers: Orphanet 36386, MedGen C3810194, MONDO:0014286, OMIM 615632.

Submission:

Labcorp Genetics (formerly Invitae), Labcorp
Classification: Uncertain significance for Neuropathy, hereditary sensory, type 1F. Last evaluated: 2023-04-16. Review status: criteria provided, single submitter. Criteria: Invitae Variant Classification Sherloc (09022015). Collection method: clinical testing. Allele origin: unknown.
Comment: In summary, the available evidence is currently insufficient to determine the role of this variant in disease. Therefore, it has been classified as a Variant of Uncertain Significance. This variant has not been reported in the literature in individuals affected with ATL3-related conditions. This variant results in a copy number gain of the genomic region encompassing exon(s) 5-13 of the ATL3 gene. This region includes the termination codon of the gene. This copy number gain extends beyond the assayed region for this gene and therefore may encompass additional genes. As the precise location of this event is unknown, it may be in tandem or it may be located elsewhere in the genome.